The following is an entry in ClinVar:

NM_000263.4(NAGLU):c.1923C>G (p.Asn641Lys)

Gene: NAGLU (N-acetyl-alpha-glucosaminidase; plus strand). Cytogenetic location: 17q21.2.
Variant type: single nucleotide variant.
Coding change: c.1923C>G on transcript NM_000263.4 (MANE Select); coding-DNA position 1923, C replaced by G.
Protein change: p.Asn641Lys; replaces asparagine 641 with lysine.
Molecular consequence: missense variant.
Genome position (GRCh38, 1-based): chr17:42,543,929, C>G. VCF-style: chr17-42543929-C-G. GRCh37 (hg19) VCF-style: chr17-40695947-C-G.
Other names: short protein forms N641K.
Identifiers: ClinVar variation 2089469 (VCV002089469.1), dbSNP rs1385391783, ClinGen allele CA399605492.

ClinVar aggregate classification (germline): Uncertain significance (1 of 4 stars; one submission).

Conditions:
Charcot-Marie-Tooth disease axonal type 2V. Also called: CHARCOT-MARIE-TOOTH NEUROPATHY, TYPE 2V; CHARCOT-MARIE-TOOTH DISEASE, AXONAL, AUTOSOMAL DOMINANT, TYPE 2V. Identifiers: Orphanet 447964, MedGen C5569050, MONDO:0014665, OMIM 616491.
Mucopolysaccharidosis, MPS-III-B (MPS3B). Also called: N-ACETYL-ALPHA-D-GLUCOSAMINIDASE DEFICIENCY; NAGLU DEFICIENCY; SANFILIPPO SYNDROME B; MPS III B; MUCOPOLYSACCHARIDOSIS, TYPE IIIB; MPS IIIB (Sanfilippo Syndrome Type B). Identifiers: Orphanet 79270, MedGen C0086648, MONDO:0009656, OMIM 252920.

Submission:

Labcorp Genetics (formerly Invitae), Labcorp
Classification: Uncertain significance for Charcot-Marie-Tooth disease axonal type 2V; Mucopolysaccharidosis, MPS-III-B. Last evaluated: 2022-03-31. Review status: criteria provided, single submitter. Criteria: Invitae Variant Classification Sherloc (09022015). Collection method: clinical testing. Allele origin: germline.
Comment: This sequence change replaces asparagine, which is neutral and polar, with lysine, which is basic and polar, at codon 641 of the NAGLU protein (p.Asn641Lys). This variant is not present in population databases (gnomAD no frequency). This variant has not been reported in the literature in individuals affected with NAGLU-related conditions. Advanced modeling of protein sequence and biophysical properties (such as structural, functional, and spatial information, amino acid conservation, physicochemical variation, residue mobility, and thermodynamic stability) performed at Invitae indicates that this missense variant is expected to disrupt NAGLU protein function. In summary, the available evidence is currently insufficient to determine the role of this variant in disease. Therefore, it has been classified as a Variant of Uncertain Significance.